The following is an entry in ClinVar:

ClinVar aggregate classification (germline): Uncertain significance (1 of 4 stars; one submission).

Conditions:
KCNQ3-related disorder. Also called: KCNQ3-Related Disorders; KCNQ3-related condition. Identifiers: MedGen CN381530.

Submission:

PreventionGenetics, part of Exact Sciences
Classification: Uncertain significance for KCNQ3-related condition. Last evaluated: 2024-11-12. Review status: criteria provided, single submitter. Criteria: ACMG Guidelines, 2015. Collection method: clinical testing. Allele origin: germline.
Comment: The KCNQ3 c.1355C>A variant is predicted to result in the amino acid substitution p.Ala452Asp. To our knowledge, this variant has not been reported in the literature or in a large population database (gnomAD), indicating this variant is rare. At this time, the clinical significance of this variant is uncertain due to the absence of conclusive functional and genetic evidence.

NM_004519.4(KCNQ3):c.1355C>A (p.Ala452Asp)

Gene: KCNQ3 (potassium voltage-gated channel subfamily Q member 3; minus strand). Cytogenetic location: 8q24.22.
Variant type: single nucleotide variant.
Coding change: c.1355C>A on transcript NM_004519.4 (MANE Select); coding-DNA position 1355, C replaced by A.
Protein change: p.Ala452Asp; replaces alanine 452 with aspartic acid.
Molecular consequence: missense variant.
Genome position (GRCh38, 1-based): chr8:132,141,239, G>T on the plus strand (C>A on the coding strand, the complement: KCNQ3 is on the minus strand). VCF-style: chr8-132141239-G-T. GRCh37 (hg19) VCF-style: chr8-133153486-G-T.
Other names: c.995C>A, p.Ala332Asp (NM_001204824.2); short protein forms A452D, A332D.
Identifiers: ClinVar variation 4999574 (VCV004999574.1).